The following is an entry in ClinVar:

ClinVar aggregate classification (germline): Uncertain significance (1 of 4 stars; one submission).

Conditions:
Cardiovascular phenotype. Identifiers: MedGen CN230736.

Submission:

Ambry Genetics
Classification: Uncertain significance for Cardiovascular phenotype. Last evaluated: 2026-09-11. Review status: criteria provided, single submitter. Criteria: Ambry Variant Classification Scheme 2023. Collection method: clinical testing. Allele origin: germline.
Comment: The p.L3193I variant (also known as c.9577C>A), located in coding exon 26 of the APOB gene, results from a C to A substitution at nucleotide position 9577. The leucine at codon 3193 is replaced by isoleucine, an amino acid with highly similar properties. This amino acid position is conserved. In addition, this alteration is predicted to be tolerated by in silico analysis. Based on the available evidence, the clinical significance of this variant remains unclear.

NM_000384.3(APOB):c.9577C>A (p.Leu3193Ile)

Gene: APOB (apolipoprotein B; minus strand). Cytogenetic location: 2p24.1.
Variant type: single nucleotide variant.
Coding change: c.9577C>A on transcript NM_000384.3 (MANE Select); coding-DNA position 9577, C replaced by A.
Protein change: p.Leu3193Ile; replaces leucine 3193 with isoleucine.
Molecular consequence: missense variant.
Genome position (GRCh38, 1-based): chr2:21,007,291, G>T on the plus strand (C>A on the coding strand, the complement: APOB is on the minus strand). VCF-style: chr2-21007291-G-T. GRCh37 (hg19) VCF-style: chr2-21230163-G-T.
Other names: short protein forms L3193I.
Identifiers: ClinVar variation 3933925 (VCV003933925.2).